The following is an entry in ClinVar:

NM_001844.5(COL2A1):c.3886+207G>A

Gene: COL2A1 (collagen type II alpha 1 chain; minus strand). Cytogenetic location: 12q13.11.
Variant type: single nucleotide variant.
Coding change: c.3886+207G>A on transcript NM_001844.5 (MANE Select); 207 bases into the intron after coding-DNA position 3886, G replaced by A.
Molecular consequence: intron variant.
Genome position (GRCh38, 1-based): chr12:47,975,110, C>T on the plus strand (G>A on the coding strand, the complement: COL2A1 is on the minus strand). VCF-style: chr12-47975110-C-T. GRCh37 (hg19) VCF-style: chr12-48368893-C-T.
Other names: c.3679+207G>A (NM_033150.3).
Identifiers: ClinVar variation 677870 (VCV000677870.1), dbSNP rs12721428, ClinGen allele CA13774608.

ClinVar aggregate classification (germline): Benign (1 of 4 stars; one submission).

Allele frequency attached by ClinVar (database versions not stated): gnomAD 0.09950 and 0.10585; TOPMed 0.11429; 1000 Genomes Project 30x 0.16896; 1000 Genomes Project 0.17232.
gnomAD v4.1: 16,190 of 152,232 alleles (11%); highest among the groups gnomAD compares: East Asian, 38%; 1,493 homozygotes.

Submission:

GeneDx
Classification: Benign. Last evaluated: 2018-06-14. Review status: criteria provided, single submitter. Criteria: GeneDx Variant Classification (06012015). Collection method: clinical testing. Allele origin: germline. Affected: yes.
Comment: This variant is considered likely benign or benign based on one or more of the following criteria: it is a conservative change, it occurs at a poorly conserved position in the protein, it is predicted to be benign by multiple in silico algorithms, and/or has population frequency not consistent with disease.